The following is an entry in ClinVar:

NM_001122630.2(CDKN1C):c.787+1G>A

Gene: CDKN1C (cyclin dependent kinase inhibitor 1C; minus strand). Cytogenetic location: 11p15.4.
Variant type: single nucleotide variant.
Coding change: c.787+1G>A on transcript NM_001122630.2 (MANE Select); the canonical splice donor site of the intron after coding-DNA position 787, G replaced by A.
Molecular consequence: splice donor variant. On other transcripts: intron variant (1).
Genome position (GRCh38, 1-based): chr11:2,884,669, C>T on the plus strand (G>A on the coding strand, the complement: CDKN1C is on the minus strand). VCF-style: chr11-2884669-C-T. GRCh37 (hg19) VCF-style: chr11-2905899-C-T.
Other names: c.255+533G>A (NM_001362475.2); c.787+1G>A (NM_001122631.2); c.820+1G>A (NM_001362474.2, NM_000076.2).
Identifiers: ClinVar variation 454035 (VCV000454035.9), dbSNP rs1554937699, ClinGen allele CA379145512.

ClinVar aggregate classification (germline): Uncertain significance (1 of 4 stars; one submission).

Conditions:
Beckwith-Wiedemann syndrome (BWS). Also called: EMG SYNDROME; Exomphalos macroglossia gigantism syndrome. Identifiers: Orphanet 116, MedGen C0004903, MONDO:0007534, OMIM 130650.

Submission:

Labcorp Genetics (formerly Invitae), Labcorp
Classification: Uncertain significance for Beckwith-Wiedemann syndrome. Last evaluated: 2023-07-14. Review status: criteria provided, single submitter. Criteria: Invitae Variant Classification Sherloc (09022015). Collection method: clinical testing. Allele origin: germline.
Comment: This variant has not been reported in the literature in individuals affected with CDKN1C-related conditions. This variant is not present in population databases (gnomAD no frequency). This sequence change affects a donor splice site in intron 1 of the CDKN1C gene. While this variant is not anticipated to result in nonsense mediated decay, it likely alters RNA splicing and results in a disrupted protein product. ClinVar contains an entry for this variant (Variation ID: 454035). In summary, the available evidence is currently insufficient to determine the role of this variant in disease. Therefore, it has been classified as a Variant of Uncertain Significance. Variants that disrupt the consensus splice site are a relatively common cause of aberrant splicing (PMID: 17576681, 9536098). Algorithms developed to predict the effect of sequence changes on RNA splicing suggest that this variant may disrupt the consensus splice site.

Literature cited by the submitters: PubMed 17576681; PubMed 9536098.